The following is an entry in ClinVar:

ClinVar aggregate classification (germline): Uncertain significance (1 of 4 stars; one submission).

Allele frequency attached by ClinVar (database versions not stated): gnomAD 0.00001; ExAC 0.00002; gnomAD exomes 0.00002 and 0.00004.

Submission:

Labcorp Genetics (formerly Invitae), Labcorp
Classification: Uncertain significance. Last evaluated: 2025-12-18. Review status: criteria provided, single submitter. Criteria: Invitae Variant Classification Sherloc (09022015). Collection method: clinical testing. Allele origin: germline.
Comment: This sequence change falls in intron 7 of the CHM gene. It does not directly change the encoded amino acid sequence of the CHM protein. It affects a nucleotide within the consensus splice site. This variant is present in population databases (rs753514649, gnomAD 0.03%), including at least one homozygous and/or hemizygous individual. This variant has not been reported in the literature in individuals affected with CHM-related conditions. ClinVar contains an entry for this variant (Variation ID: 972542). Variants that disrupt the consensus splice site are a relatively common cause of aberrant splicing (PMID: 17576681, 9536098). Algorithms developed to predict the effect of sequence changes on RNA splicing suggest that this variant is not likely to affect RNA splicing. In summary, the available evidence is currently insufficient to determine the role of this variant in disease. Therefore, it has been classified as a Variant of Uncertain Significance.

Literature cited by the submitters: PubMed 17576681; PubMed 9536098.

NM_000390.4(CHM):c.941-3dup

Gene: CHM (CHM Rab escort protein; minus strand). Cytogenetic location: Xq21.2.
Variant type: Duplication.
Coding change: c.941-3dup on transcript NM_000390.4 (MANE Select); 3 bases into the intron before coding-DNA position 941, one base duplicated (T; older notation c.941-3dupT).
Molecular consequence: intron variant.
Genome position (GRCh38, 1-based): chrX:85,956,381, A duplicated on the plus strand (T on the coding strand, the reverse complement: CHM is on the minus strand). VCF-style (leftmost placement, unchanged base first): chrX-85956380-T-TA. GRCh37 (hg19) VCF-style: chrX-85211385-T-TA.
Other names: c.497-3dup (NM_001362519.1, NM_001362517.1, NM_001320959.1 and 1 more transcripts).
Identifiers: ClinVar variation 972542 (VCV000972542.5), dbSNP rs753514649, ClinGen allele CA10465485.